The following is an entry in ClinVar:

NM_000516.7(GNAS):c.1007G>C (p.Arg336Pro)

Gene: GNAS (GNAS complex locus; plus strand). Cytogenetic location: 20q13.32.
Variant type: single nucleotide variant.
Coding change: c.1007G>C on transcript NM_000516.7 (MANE Select); coding-DNA position 1007, G replaced by C.
Protein change: p.Arg336Pro; replaces arginine 336 with proline.
Molecular consequence: missense variant. On other transcripts: 3 prime UTR variant (2).
Genome position (GRCh38, 1-based): chr20:58,910,370, G>C. VCF-style: chr20-58910370-G-C. GRCh37 (hg19) VCF-style: chr20-57485425-G-C.
Other names: c.1007G>C (NM_000516.5, NM_000516.4); c.1010G>C, p.Arg337Pro (NM_001077488.5); c.962G>C, p.Arg321Pro (NM_001077489.4); c.*868G>C (NM_001077490.3); c.830G>C, p.Arg277Pro (NM_001309840.2, NM_001309861.2); c.911G>C, p.Arg304Pro (NM_001410912.1); c.2891G>C, p.Arg964Pro (NM_001410913.1); c.*913G>C (NM_016592.5); and 2 more; short protein forms R321P, R336P, R277P, R964P, R304P, R322P, R337P, R979P.
Identifiers: ClinVar variation 2006480 (VCV002006480.6), dbSNP rs2146300008, ClinGen allele CA409453595.
Genomic context (GRCh38, chr20:58,910,370, plus strand): 5'-AATATGTATTCCCTTTTTATATAGCTACTCCCGAGCCCGGAGAGGACCCACGCGTGACCC[G>C]GGCCAAGTACTTCATTCGAGATGAGTTTCTGGTGAGTCGAGCCTGTCTTTAGTTTCCTCT-3'
Protein context (NP_000507.1, residues 326-346): PEPGEDPRVT[Arg336Pro]AKYFIRDEFL

ClinVar aggregate classification (germline): Uncertain significance. Review status: criteria provided, multiple submitters, no conflicts (2 of 4 stars). 3 submissions from 3 submitters: Uncertain significance (3). Last evaluated 2024-10-15.

Conditions:
GNAS-related disorder. Identifiers: MedGen CN380105.

Submissions (3):

Labcorp Genetics (formerly Invitae), Labcorp
Classification: Uncertain significance. Last evaluated: 2024-10-15. Review status: criteria provided, single submitter. Criteria: Invitae Variant Classification Sherloc (09022015). Collection method: clinical testing. Allele origin: germline.
Comment: This sequence change replaces arginine, which is basic and polar, with proline, which is neutral and non-polar, at codon 336 of the GNAS protein (p.Arg336Pro). This variant is not present in population databases (gnomAD no frequency). This variant has not been reported in the literature in individuals affected with GNAS-related conditions. ClinVar contains an entry for this variant (Variation ID: 2006480). Invitae Evidence Modeling of protein sequence and biophysical properties (such as structural, functional, and spatial information, amino acid conservation, physicochemical variation, residue mobility, and thermodynamic stability) indicates that this missense variant is expected to disrupt GNAS protein function with a positive predictive value of 80%. This variant disrupts the p.Arg336 amino acid residue in GNAS. Other variant(s) that disrupt this residue have been determined to be pathogenic (PMID: 11600516, 23281139, 29059381, 31886927). This suggests that this residue is clinically significant, and that variants that disrupt this residue are likely to be disease-causing. In summary, the available evidence is currently insufficient to determine the role of this variant in disease. Therefore, it has been classified as a Variant of Uncertain Significance.

GeneDx
Classification: Uncertain significance. Last evaluated: 2024-01-08. Review status: criteria provided, single submitter. Criteria: GeneDx Variant Classification Process June 2021. Collection method: clinical testing. Allele origin: germline. Affected: yes.
Comment: Not observed at significant frequency in large population cohorts (gnomAD); In silico analysis supports that this missense variant has a deleterious effect on protein structure/function; Has not been previously published as pathogenic or benign to our knowledge

PreventionGenetics, part of Exact Sciences
Classification: Uncertain significance for GNAS-related condition. Last evaluated: 2023-04-17. Review status: criteria provided, single submitter. Criteria: ACMG Guidelines, 2015. Collection method: clinical testing. Allele origin: germline.
Comment: The GNAS c.1007G>C variant is predicted to result in the amino acid substitution p.Arg336Pro. To our knowledge, this variant has not been reported in the literature or in a large population database, indicating this variant is rare. An alternate nucleotide change affecting the same amino acid (p.Arg336Trp) has been reported in individuals with with Albright hereditary osteodystrophy (Table 1, Ahrens et al. 2001. PubMed ID: 11600516; Table 1, Salemi et al. 2018. PubMed ID: 29059381). Although we suspect that this variant may be pathogenic, at this time, the clinical significance of this variant is uncertain due to the absence of conclusive functional and genetic evidence.

Literature cited by the submitters: PubMed 11600516 (cited by Labcorp Genetics (formerly Invitae), Labcorp); PubMed 23281139 (cited by Labcorp Genetics (formerly Invitae), Labcorp); PubMed 29059381 (cited by Labcorp Genetics (formerly Invitae), Labcorp); PubMed 31886927 (cited by Labcorp Genetics (formerly Invitae), Labcorp).